The following is an entry in ClinVar:

NM_000384.3(APOB):c.10840C>T (p.Pro3614Ser)

Gene: APOB (apolipoprotein B; minus strand). Cytogenetic location: 2p24.1.
Variant type: single nucleotide variant.
Coding change: c.10840C>T on transcript NM_000384.3 (MANE Select); coding-DNA position 10840, C replaced by T.
Protein change: p.Pro3614Ser; replaces proline 3614 with serine.
Molecular consequence: missense variant.
Genome position (GRCh38, 1-based): chr2:21,006,028, G>A on the plus strand (C>T on the coding strand, the complement: APOB is on the minus strand). VCF-style: chr2-21006028-G-A. GRCh37 (hg19) VCF-style: chr2-21228900-G-A.
Other names: c.10840C>T (NM_000384.2); short protein forms P3614S.
Identifiers: ClinVar variation 2073440 (VCV002073440.2), dbSNP rs1350610300, ClinGen allele CA345984865.
Genomic context (GRCh38, chr2:21,006,028, plus strand): 5'-TCCATCTGATCTTCTGGTTCTTAGTGTTAGCATTCAGGGCCACTTCCTGGCCAAGGTCAG[G>A]GAAATCATGGAAGGAACTGGGCTGACTTGCATGGACCTGAACAAGAGCTGACATTTGCCA-3'
Protein context (NP_000375.3, residues 3604-3624): ASQPSSFHDF[Pro3614Ser]DLGQEVALNA

ClinVar aggregate classification (germline): Uncertain significance. Review status: criteria provided, multiple submitters, no conflicts (2 of 4 stars). 2 submissions from 2 submitters: Uncertain significance (2). Last evaluated 2025-05-18.

Conditions:
Cardiovascular phenotype. Identifiers: MedGen CN230736.
Familial hypobetalipoproteinemia 1. Also called: Hypobetalipoproteinemia, normotriglyceridemic; Acanthocytosis with hypobetalipoproteinemia; APOB-Related Familial Hypobetalipoproteinemia. Identifiers: MedGen C4551990, MONDO:0014252, OMIM 615558.
Hypercholesterolemia, autosomal dominant, type B (FHCL2). Also called: Familial hypercholesterolemia 2; Familial Hypercholesterolemia Type B; APOLIPOPROTEIN B-100, FAMILIAL DEFECTIVE; APOLIPOPROTEIN B-100, FAMILIAL LIGAND-DEFECTIVE; HYPERCHOLESTEROLEMIA, FAMILIAL, DUE TO LIGAND-DEFECTIVE APOLIPOPROTEIN B; Hyperlipoproteinemia Type IIb. Identifiers: MedGen C1704417, MONDO:0007751, OMIM 144010.

Allele frequency attached by ClinVar (database versions not stated): TOPMed 0.00001; gnomAD exomes below 0.00001; gnomAD 0.00001.

Submissions (2):

Ambry Genetics
Classification: Uncertain significance for Cardiovascular phenotype. Last evaluated: 2025-05-18. Review status: criteria provided, single submitter. Criteria: Ambry Variant Classification Scheme 2023. Collection method: clinical testing. Allele origin: germline.
Comment: The p.P3614S variant (also known as c.10840C>T), located in coding exon 26 of the APOB gene, results from a C to T substitution at nucleotide position 10840. The proline at codon 3614 is replaced by serine, an amino acid with similar properties. This amino acid position is conserved. In addition, this alteration is predicted to be tolerated by in silico analysis. Based on the available evidence, the clinical significance of this variant remains unclear.

Labcorp Genetics (formerly Invitae), Labcorp
Classification: Uncertain significance for Familial hypobetalipoproteinemia 1; Hypercholesterolemia, autosomal dominant, type B. Last evaluated: 2022-08-12. Review status: criteria provided, single submitter. Criteria: Invitae Variant Classification Sherloc (09022015). Collection method: clinical testing. Allele origin: germline.
Comment: This sequence change replaces proline, which is neutral and non-polar, with serine, which is neutral and polar, at codon 3614 of the APOB protein (p.Pro3614Ser). This variant is not present in population databases (gnomAD no frequency). This variant has not been reported in the literature in individuals affected with APOB-related conditions. Algorithms developed to predict the effect of missense changes on protein structure and function output the following: SIFT: "Tolerated"; PolyPhen-2: "Benign"; Align-GVGD: "Class C0". The serine amino acid residue is found in multiple mammalian species, which suggests that this missense change does not adversely affect protein function. In summary, the available evidence is currently insufficient to determine the role of this variant in disease. Therefore, it has been classified as a Variant of Uncertain Significance.